The following is an entry in ClinVar:

NM_000268.4(NF2):c.1764del (p.Val589fs)

Gene: NF2 (NF2, moesin-ezrin-radixin like (MERLIN) tumor suppressor; plus strand). Cytogenetic location: 22q12.2.
Variant type: Deletion.
Coding change: c.1764del on transcript NM_000268.4 (MANE Select); coding-DNA position 1764, one base deleted (A; older notation c.1764delA).
Protein change: p.Val589fs; shifts the reading frame from valine 589.
Molecular consequence: frameshift variant. On other transcripts: 3 prime UTR variant (5), non-coding transcript variant (1).
Genome position (GRCh38, 1-based): chr22:29,694,778, A deleted. VCF-style (leftmost placement, unchanged base first): chr22-29694777-GA-G. GRCh37 (hg19) VCF-style: chr22-30090766-GA-G.
Other names: c.1650delA, p.Val551Trpfs (NM_001407053.1); c.1641delA, p.Val548Trpfs (NM_001407054.1); c.1638delA, p.Val547Trpfs (NM_001407055.1); c.*36delA (NM_001407056.1, NM_001407059.1, NM_001407065.1 and 1 more transcripts); c.1629delA, p.Val544Trpfs (NM_001407057.1); c.*51delA (NM_001407058.1, NM_001407063.1); c.1601delA, p.Glu534Glyfs (NM_001407060.1); c.1506delA, p.Val503Trpfs (NM_001407062.1); and 4 more; short protein forms V159fs, V589fs.
Identifiers: ClinVar variation 1912318 (VCV001912318.5), dbSNP rs2518808164, ClinGen allele CA2580099445.
Genomic context (GRCh38, chr22:29,694,777, plus strand): 5'-TGTGCCCTCTCAGCTTCTTCTCTGCTTTCTTACAGCTCACCTTGCAGAGCGCCAAGTCCC[GA>G]GTGGCCTTCTTTGAAGAGCTCTAGCAGGTGACCCAGCCACCCCAGGACCTGCCACTTCTC-3'

ClinVar aggregate classification (germline): Uncertain significance (1 of 4 stars; one submission).

Conditions:
Neurofibromatosis, type 2 (SWNV). Also called: NF2-Related Schwannomatosis; SCHWANNOMATOSIS, VESTIBULAR; BILATERAL ACOUSTIC NEUROFIBROMATOSIS. Identifiers: Orphanet 637, MedGen C0027832, MONDO:0007039, OMIM 101000. Disease mechanism: loss of function.

Submission:

Labcorp Genetics (formerly Invitae), Labcorp
Classification: Uncertain significance for Neurofibromatosis, type 2. Last evaluated: 2022-04-23. Review status: criteria provided, single submitter. Criteria: Invitae Variant Classification Sherloc (09022015). Collection method: clinical testing. Allele origin: germline.
Comment: In summary, the available evidence is currently insufficient to determine the role of this variant in disease. Therefore, it has been classified as a Variant of Uncertain Significance. This sequence change results in a frameshift in the NF2 gene (p.Val589Trpfs*10). While this is not anticipated to result in nonsense mediated decay, it is expected to disrupt the last 7 amino acid(s) of the NF2 protein and extend the protein by 2 additional amino acid residues. This variant is not present in population databases (gnomAD no frequency). This variant has not been reported in the literature in individuals affected with NF2-related conditions.